The following is an entry in ClinVar:

NM_001458.5(FLNC):c.2797A>C (p.Thr933Pro)

Gene: FLNC (filamin C; plus strand). Cytogenetic location: 7q32.1.
Variant type: single nucleotide variant.
Coding change: c.2797A>C on transcript NM_001458.5 (MANE Select); coding-DNA position 2797, A replaced by C.
Protein change: p.Thr933Pro; replaces threonine 933 with proline.
Molecular consequence: missense variant.
Genome position (GRCh38, 1-based): chr7:128,843,563, A>C. VCF-style: chr7-128843563-A-C. GRCh37 (hg19) VCF-style: chr7-128483617-A-C.
Other names: c.2797A>C, p.Thr933Pro (NM_001127487.2); c.2797A>C (NM_001458.4); short protein forms T933P.
Identifiers: ClinVar variation 1405330 (VCV001405330.10), dbSNP rs2128936026, ClinGen allele CA369193299.

ClinVar aggregate classification (germline): Uncertain significance. Review status: criteria provided, multiple submitters, no conflicts (2 of 4 stars). 4 submissions from 4 submitters: Uncertain significance (4). Last evaluated 2026-10-22.

Conditions:
Cardiovascular phenotype. Identifiers: MedGen CN230736.
Distal myopathy with posterior leg and anterior hand involvement. Also called: WILLIAMS DISTAL MYOPATHY. Identifiers: Orphanet 63273, MedGen C3279722, MONDO:0013550, OMIM 614065.
Myofibrillar myopathy 5. Also called: Filaminopathy (type); FILAMINOPATHY, AUTOSOMAL DOMINANT. Identifiers: Orphanet 171445, MedGen C1836050, MONDO:0012289, OMIM 609524.
Hypertrophic cardiomyopathy 26. Also called: Cardiomyopathy, familial hypertrophic, 26. Identifiers: Orphanet 75249, MedGen C4310749, MONDO:0014883, OMIM 617047.

Submissions (4):

GeneDx
Classification: Uncertain significance. Last evaluated: 2026-10-22. Review status: criteria provided, single submitter. Criteria: GeneDx Variant Classification Process June 2021. Collection method: clinical testing. Allele origin: germline.
Comment: Not observed at significant frequency in large population cohorts (gnomAD); In silico analysis supports that this missense variant has a deleterious effect on protein structure/function; Has not been previously published as pathogenic or benign to our knowledge

Ambry Genetics
Classification: Uncertain significance for Cardiovascular phenotype. Last evaluated: 2025-01-03. Review status: criteria provided, single submitter. Criteria: Ambry Variant Classification Scheme 2023. Collection method: clinical testing. Allele origin: germline.
Comment: The p.T933P variant (also known as c.2797A>C), located in coding exon 18 of the FLNC gene, results from an A to C substitution at nucleotide position 2797. The threonine at codon 933 is replaced by proline, an amino acid with highly similar properties. This amino acid position is highly conserved in available vertebrate species. In addition, this alteration is predicted to be deleterious by in silico analysis. Based on the available evidence, the clinical significance of this variant remains unclear.

Labcorp Genetics (formerly Invitae), Labcorp
Classification: Uncertain significance for Distal myopathy with posterior leg and anterior hand involvement; Myofibrillar myopathy 5; Hypertrophic cardiomyopathy 26. Last evaluated: 2024-11-04. Review status: criteria provided, single submitter. Criteria: Invitae Variant Classification Sherloc (09022015). Collection method: clinical testing. Allele origin: germline.
Comment: This sequence change replaces threonine, which is neutral and polar, with proline, which is neutral and non-polar, at codon 933 of the FLNC protein (p.Thr933Pro). This variant is not present in population databases (gnomAD no frequency). This variant has not been reported in the literature in individuals affected with FLNC-related conditions. ClinVar contains an entry for this variant (Variation ID: 1405330). Invitae Evidence Modeling of protein sequence and biophysical properties (such as structural, functional, and spatial information, amino acid conservation, physicochemical variation, residue mobility, and thermodynamic stability) has been performed for this missense variant. However, the output from this modeling did not meet the statistical confidence thresholds required to predict the impact of this variant on FLNC protein function. In summary, the available evidence is currently insufficient to determine the role of this variant in disease. Therefore, it has been classified as a Variant of Uncertain Significance.

Blueprint Genetics
Classification: Uncertain significance. Last evaluated: 2021-09-13. Review status: criteria provided, single submitter. Criteria: ACMG Guidelines, 2015. Collection method: clinical testing. Allele origin: germline.